The following is an entry in ClinVar:

NM_004336.5(BUB1):c.2633T>C (p.Ile878Thr)

Gene: BUB1 (BUB1 mitotic checkpoint serine/threonine kinase; minus strand). Cytogenetic location: 2q13.
Variant type: single nucleotide variant.
Coding change: c.2633T>C on transcript NM_004336.5 (MANE Select); coding-DNA position 2633, T replaced by C.
Protein change: p.Ile878Thr; replaces isoleucine 878 with threonine.
Molecular consequence: missense variant. On other transcripts: intron variant (1).
Genome position (GRCh38, 1-based): chr2:110,641,457, A>G on the plus strand (T>C on the coding strand, the complement: BUB1 is on the minus strand). VCF-style: chr2-110641457-A-G. GRCh37 (hg19) VCF-style: chr2-111399034-A-G.
Other names: c.2573T>C, p.Ile858Thr (NM_001278616.2); c.2625+185T>C (NM_001278617.2); short protein forms I858T, I878T.
Identifiers: ClinVar variation 3262160 (VCV003262160.1).

ClinVar aggregate classification (germline): Uncertain significance (1 of 4 stars; one submission).

gnomAD v4.1: 1 of 1,606,538 alleles (0.000062%); highest among the groups gnomAD compares: African/African-American, 0.0013%; no homozygotes.

Submission:

Ambry Genetics
Classification: Uncertain significance. Last evaluated: 2024-05-23. Review status: criteria provided, single submitter. Criteria: Ambry Variant Classification Scheme 2023. Collection method: clinical testing. Allele origin: germline.
Comment: The p.I878T variant (also known as c.2633T>C), located in coding exon 22 of the BUB1 gene, results from a T to C substitution at nucleotide position 2633. The isoleucine at codon 878 is replaced by threonine, an amino acid with similar properties. This amino acid position is conserved. In addition, this alteration is predicted to be deleterious by in silico analysis. Based on the available evidence, the clinical significance of this variant remains unclear.